The following is an entry in ClinVar:

NM_000179.3(MSH6):c.1885G>A (p.Asp629Asn)

Gene: MSH6 (mutS homolog 6; plus strand). Cytogenetic location: 2p16.3.
Variant type: single nucleotide variant.
Coding change: c.1885G>A on transcript NM_000179.3 (MANE Select); coding-DNA position 1885, G replaced by A.
Protein change: p.Asp629Asn; replaces aspartic acid 629 with asparagine.
Molecular consequence: missense variant.
Genome position (GRCh38, 1-based): chr2:47,799,868, G>A. VCF-style: chr2-47799868-G-A. GRCh37 (hg19) VCF-style: chr2-48027007-G-A.
Other names: c.1495G>A, p.Asp499Asn (NM_001281492.2); c.979G>A, p.Asp327Asn (NM_001281493.2, NM_001281494.2); short protein forms D629N, D327N, D499N.
Identifiers: ClinVar variation 421278 (VCV000421278.8), dbSNP rs1064795030, ClinGen allele CA16617660.

ClinVar aggregate classification (germline): Uncertain significance. Review status: criteria provided, multiple submitters, no conflicts (2 of 4 stars). 4 submissions from 4 submitters: Uncertain significance (4). Last evaluated 2025-09-10.

Conditions:
Hereditary nonpolyposis colorectal neoplasms. Identifiers: MedGen C0009405, MeSH D003123.
Hereditary cancer-predisposing syndrome. Also called: Hereditary neoplastic syndrome; Tumor predisposition; Neoplastic Syndromes, Hereditary; Hereditary Cancer Syndrome. Identifiers: Orphanet 140162, MedGen C0027672, MeSH D009386, MONDO:0015356.

Submissions (4):

Labcorp Genetics (formerly Invitae), Labcorp
Classification: Uncertain significance for Hereditary nonpolyposis colorectal neoplasms. Last evaluated: 2025-09-10. Review status: criteria provided, single submitter. Criteria: Invitae Variant Classification Sherloc (09022015). Collection method: clinical testing. Allele origin: germline.
Comment: This sequence change replaces aspartic acid, which is acidic and polar, with asparagine, which is neutral and polar, at codon 629 of the MSH6 protein (p.Asp629Asn). This variant is not present in population databases (gnomAD no frequency). This variant has not been reported in the literature in individuals affected with MSH6-related conditions. ClinVar contains an entry for this variant (Variation ID: 421278). Invitae Evidence Modeling of protein sequence and biophysical properties (such as structural, functional, and spatial information, amino acid conservation, physicochemical variation, residue mobility, and thermodynamic stability) indicates that this missense variant is not expected to disrupt MSH6 protein function with a negative predictive value of 95%. In summary, the available evidence is currently insufficient to determine the role of this variant in disease. Therefore, it has been classified as a Variant of Uncertain Significance.

Color Diagnostics, LLC DBA Color Health
Classification: Uncertain significance for Hereditary cancer-predisposing syndrome. Last evaluated: 2024-03-11. Review status: criteria provided, single submitter. Criteria: ACMG Guidelines, 2015. Collection method: clinical testing. Allele origin: germline.
Comment: This missense variant replaces aspartic acid with asparagine at codon 629 of the MSH6 protein. Computational prediction suggests that this variant may not impact protein structure and function (internally defined REVEL score threshold <= 0.5, PMID: 27666373). To our knowledge, functional studies have not been reported for this variant. This variant has not been reported in individuals affected with MSH6-related disorders in the literature. This variant has not been identified in the general population by the Genome Aggregation Database (gnomAD). The available evidence is insufficient to determine the role of this variant in disease conclusively. Therefore, this variant is classified as a Variant of Uncertain Significance.

Ambry Genetics
Classification: Uncertain significance for Hereditary cancer-predisposing syndrome. Last evaluated: 2022-04-11. Review status: criteria provided, single submitter. Criteria: Ambry Variant Classification Scheme 2023. Collection method: clinical testing. Allele origin: germline.
Comment: The p.D629N variant (also known as c.1885G>A), located in coding exon 4 of the MSH6 gene, results from a G to A substitution at nucleotide position 1885. The aspartic acid at codon 629 is replaced by asparagine, an amino acid with highly similar properties. This amino acid position is well conserved in available vertebrate species. In addition, this alteration is predicted to be tolerated by in silico analysis. Since supporting evidence is limited at this time, the clinical significance of this alteration remains unclear.

GeneDx
Classification: Uncertain significance. Last evaluated: 2016-05-23. Review status: criteria provided, single submitter. Criteria: GeneDx Variant Classification (06012015). Collection method: clinical testing. Allele origin: germline. Affected: yes.
Comment: This variant is denoted MSH6 c.1885G>A at the cDNA level, p.Asp629Asn (D629N) at the protein level, and results in the change of an Aspartic Acid to an Asparagine (GAT>AAT). This variant has not, to our knowledge, been published in the literature as pathogenic or benign. MSH6 Asp629Asn was not observed in approximately 6,500 individuals of European and African American ancestry in the NHLBI Exome Sequencing Project, suggesting it is not a common benign variant in these populations. Since Aspartic Acid and Asparagine differ in some properties, this is considered a semi-conservative amino acid substitution. MSH6 Asp629Asn occurs at a position that is conserved in mammals and is located in the MutS domain II (Terui 2013). In silico analyses are inconsistent regarding the effect this variant may have on protein structure and function. Based on currently available evidence, it is unclear whether MSH6 Asp629Asn is a pathogenic or benign variant. We consider it to be a variant of uncertain significance.